The following is an entry in ClinVar:

NM_138927.4(SON):c.5531G>A (p.Arg1844His)

Gene: SON (SON DNA and RNA binding protein; plus strand). Cytogenetic location: 21q22.11.
Variant type: single nucleotide variant.
Coding change: c.5531G>A on transcript NM_138927.4 (MANE Select); coding-DNA position 5531, G replaced by A.
Protein change: p.Arg1844His; replaces arginine 1844 with histidine.
Molecular consequence: missense variant. On other transcripts: non-coding transcript variant (1), intron variant (1).
Genome position (GRCh38, 1-based): chr21:33,554,762, G>A. VCF-style: chr21-33554762-G-A. GRCh37 (hg19) VCF-style: chr21-34927068-G-A.
Other names: c.5531G>A, p.Arg1844His (NM_001291411.2, NM_032195.3); c.245-2394G>A (NM_001291412.3); short protein forms R1844H.
Identifiers: ClinVar variation 1417391 (VCV001417391.7), dbSNP rs748165828, ClinGen allele CA10009759.
Genomic context (GRCh38, chr21:33,554,762, plus strand): 5'-CTCGAAGTAAGCGTTCCAAATCTTCTGAACACAAATCACGCAAGCGTACCAGTGAATCTC[G>A]TTCTAGGGCAAGAAAGAGATCATCTAAGTCCAAGTCTCATCGCTCTCAGACACGTTCACG-3'
Protein context (NP_620305.3, residues 1834-1854): HKSRKRTSES[Arg1844His]SRARKRSSKS

ClinVar aggregate classification (germline): Likely benign. Review status: criteria provided, multiple submitters, no conflicts (2 of 4 stars). 2 submissions from 2 submitters: Likely benign (2). Last evaluated 2024-11-18.

Allele frequency attached by ClinVar (database versions not stated): gnomAD 0.00001; TOPMed 0.00002; gnomAD exomes 0.00003; ExAC 0.00004.
gnomAD v4.1: 49 of 1,613,750 alleles (0.003%); highest among the groups gnomAD compares: Admixed American, 0.013%; 1 homozygote.

Submissions (2):

Labcorp Genetics (formerly Invitae), Labcorp
Classification: Likely benign. Last evaluated: 2024-11-18. Review status: criteria provided, single submitter. Criteria: Invitae Variant Classification Sherloc (09022015). Collection method: clinical testing. Allele origin: germline.

Women's Health and Genetics/Laboratory Corporation of America, LabCorp
Classification: Likely benign. Last evaluated: 2024-10-09. Review status: criteria provided, single submitter. Criteria: LabCorp Variant Classification Summary - May 2015. Collection method: clinical testing. Allele origin: germline.
Comment: Variant summary: SON c.5531G>A (p.Arg1844His) results in a non-conservative amino acid change in the encoded protein sequence. Three of five in-silico tools predict a damaging effect of the variant on protein function. The variant allele was found at a frequency of 3e-05 in 1606754 control chromosomes in the gnomAD database, including 1 homozygote. The occurrence in several carriers suggests that this variant is likely not associated with a high penetrance, severe, early onset disease phenotype in heterozygous state. To our knowledge, no occurrence of c.5531G>A in individuals affected with ZTTK Syndrome and no experimental evidence demonstrating its impact on protein function have been reported. ClinVar contains an entry for this variant (Variation ID: 1417391). Based on the evidence outlined above, the variant was classified as likely benign.